The following is an entry in ClinVar:

ClinVar aggregate classification (germline): Likely benign (1 of 4 stars; one submission).

gnomAD v4.1: 71 of 1,541,412 alleles (0.0046%); highest among the groups gnomAD compares: Admixed American, 0.0096%; no homozygotes.

Submissions (2):

CeGaT Center for Human Genetics Tuebingen
Classification: Likely benign. Last evaluated: 2025-10-01. Review status: criteria provided, single submitter. Criteria: CeGaT Center For Human Genetics Tuebingen Variant Classification Criteria Version 2. Collection method: clinical testing. Allele origin: germline. Affected: yes. Observed: 1 variant allele.
Comment: BRSK2: BP4, BS2

Dr. Peter K. Rogan Lab, Western University
No classification provided (evidence only). Condition: Gastric cancer. Review status: no classification provided. Collection method: in vitro. Allele origin: not applicable. Functional consequence: retained intron. Not counted in ClinVar's aggregate classification.

NM_001256627.2(BRSK2):c.91+21263G>A

Gene: BRSK2 (BR serine/threonine kinase 2; plus strand). Cytogenetic location: 11p15.5.
Variant type: single nucleotide variant.
Coding change: c.91+21263G>A on transcript NM_001256627.2 (MANE Select); 21263 bases into the intron after coding-DNA position 91, G replaced by A.
Molecular consequence: intron variant.
Genome position (GRCh38, 1-based): chr11:1,411,638, G>A. VCF-style: chr11-1411638-G-A. GRCh37 (hg19) VCF-style: chr11-1432868-G-A.
Other names: NC_000011.9:g.1432868G>A; c.91+21263G>A (NM_001440665.1, NM_001440668.1, NM_001440670.1 and 3 more transcripts); c.-90+2007G>A (NM_001440674.1); c.-90+1779G>A (NM_001440671.1, NM_001440672.1, NM_001440669.1 and 2 more transcripts); c.-90+732G>A (NM_001282218.2, NM_001440675.1); c.229+5G>A (NM_001256630.1, NM_001440667.1).
Identifiers: ClinVar variation 4369806 (VCV004369806.7).